The following is an entry in ClinVar:

NM_004946.3(DOCK2):c.4535T>C (p.Met1512Thr)

Gene: DOCK2 (dedicator of cytokinesis 2; plus strand). Cytogenetic location: 5q35.1.
Variant type: single nucleotide variant.
Coding change: c.4535T>C on transcript NM_004946.3 (MANE Select); coding-DNA position 4535, T replaced by C.
Protein change: p.Met1512Thr; replaces methionine 1512 with threonine.
Molecular consequence: missense variant. On other transcripts: non-coding transcript variant (1).
Genome position (GRCh38, 1-based): chr5:170,067,577, T>C. VCF-style: chr5-170067577-T-C. GRCh37 (hg19) VCF-style: chr5-169494581-T-C.
Other names: short protein forms M1512T.
Identifiers: ClinVar variation 1717371 (VCV001717371.3), dbSNP rs1477409023, ClinGen allele CA362112529.

ClinVar aggregate classification (germline): Uncertain significance (1 of 4 stars; one submission).

Conditions:
DOCK2 deficiency. Also called: Immunodeficiency 40. Identifiers: Orphanet 447737, MedGen C4225328, MONDO:0014637, OMIM 616433.

Allele frequency attached by ClinVar (database versions not stated): gnomAD exomes below 0.00001.

Submission:

Labcorp Genetics (formerly Invitae), Labcorp
Classification: Uncertain significance for DOCK2 deficiency. Last evaluated: 2022-08-21. Review status: criteria provided, single submitter. Criteria: Invitae Variant Classification Sherloc (09022015). Collection method: clinical testing. Allele origin: germline.
Comment: This sequence change replaces methionine, which is neutral and non-polar, with threonine, which is neutral and polar, at codon 1512 of the DOCK2 protein (p.Met1512Thr). This variant is present in population databases (no rsID available, gnomAD 0.003%). This variant has not been reported in the literature in individuals affected with DOCK2-related conditions. Algorithms developed to predict the effect of missense changes on protein structure and function (SIFT, PolyPhen-2, Align-GVGD) all suggest that this variant is likely to be tolerated. In summary, the available evidence is currently insufficient to determine the role of this variant in disease. Therefore, it has been classified as a Variant of Uncertain Significance.